The following is an entry in ClinVar:

ClinVar aggregate classification (germline): Uncertain significance. Review status: criteria provided, multiple submitters, no conflicts (2 of 4 stars). 3 submissions from 3 submitters: Uncertain significance (2). 1 of the submissions does not count toward it. Last evaluated 2024-07-02.

Conditions:
Frontotemporal dementia and/or amyotrophic lateral sclerosis 7 (FTDALS7). Also called: CHMP2B-related frontotemporal dementia; AMYOTROPHIC LATERAL SCLEROSIS, CHMP2B-RELATED; Amyotrophic lateral sclerosis 17; CHMP2B-Related Frontotemporal Dementia-Amyotrophic Lateral Sclerosis. Identifiers: Orphanet 275864, Orphanet 282, Orphanet 803, MedGen C1833296, MONDO:0010936, OMIM 600795.

Allele frequency attached by ClinVar (database versions not stated): gnomAD 0.00003 and 0.00004; gnomAD exomes 0.00004; TOPMed 0.00006; ExAC 0.00007.
gnomAD v4.1: 71 of 1,592,938 alleles (0.0045%); highest among the groups gnomAD compares: South Asian, 0.013%; no homozygotes.

Submissions (3):

Mayo Clinic Laboratories, Mayo Clinic
Classification: Uncertain significance. Last evaluated: 2024-07-02. Review status: criteria provided, single submitter. Criteria: ACMG Guidelines, 2015. Collection method: clinical testing. Allele origin: germline. Observed: 1 variant allele.
Comment: BS2

Labcorp Genetics (formerly Invitae), Labcorp
Classification: Uncertain significance for Frontotemporal dementia and/or amyotrophic lateral sclerosis 7. Last evaluated: 2023-10-23. Review status: criteria provided, single submitter. Criteria: Invitae Variant Classification Sherloc (09022015). Collection method: clinical testing. Allele origin: germline.
Comment: This sequence change replaces asparagine, which is neutral and polar, with serine, which is neutral and polar, at codon 143 of the CHMP2B protein (p.Asn143Ser). This variant is present in population databases (rs63750944, gnomAD 0.02%). This missense change has been observed in individual(s) with cortical basal degeneration (PMID: 17956895). ClinVar contains an entry for this variant (Variation ID: 98002). An algorithm developed to predict the effect of missense changes on protein structure and function (PolyPhen-2) suggests that this variant is likely to be tolerated. Experimental studies are conflicting or provide insufficient evidence to determine the effect of this variant on CHMP2B function (PMID: 22521643). Algorithms developed to predict the effect of sequence changes on RNA splicing suggest that this variant may create or strengthen a splice site. In summary, the available evidence is currently insufficient to determine the role of this variant in disease. Therefore, it has been classified as a Variant of Uncertain Significance.

VIB  Department of Molecular Genetics, University of Antwerp
No classification provided. Review status: no classification provided. Collection method: not provided. Allele origin: not provided. Not counted in ClinVar's aggregate classification.

Literature cited by the submitters: PubMed 17956895 (cited by Mayo Clinic Laboratories, Mayo Clinic and Labcorp Genetics (formerly Invitae), Labcorp); PubMed 22521643 (cited by Mayo Clinic Laboratories, Mayo Clinic and Labcorp Genetics (formerly Invitae), Labcorp).

NM_014043.4(CHMP2B):c.428A>G (p.Asn143Ser)

Gene: CHMP2B (charged multivesicular body protein 2B; plus strand). Cytogenetic location: 3p11.2.
Variant type: single nucleotide variant.
Coding change: c.428A>G on transcript NM_014043.4 (MANE Select); coding-DNA position 428, A replaced by G.
Protein change: p.Asn143Ser; replaces asparagine 143 with serine.
Molecular consequence: missense variant.
Genome position (GRCh38, 1-based): chr3:87,253,407, A>G. VCF-style: chr3-87253407-A-G. GRCh37 (hg19) VCF-style: chr3-87302557-A-G.
Other names: p.Asn143Ser; c.305A>G, p.Asn102Ser (NM_001244644.2); short protein forms N143S, N102S.
Identifiers: ClinVar variation 98002 (VCV000098002.7), dbSNP rs63750944, ClinGen allele CA224972.